The following is an entry in ClinVar:

ClinVar aggregate classification (germline): Uncertain significance (1 of 4 stars; one submission).

Submission:

Labcorp Genetics (formerly Invitae), Labcorp
Classification: Uncertain significance. Last evaluated: 2025-01-06. Review status: criteria provided, single submitter. Criteria: Invitae Variant Classification Sherloc (09022015). Collection method: clinical testing. Allele origin: germline.
Comment: This sequence change replaces serine, which is neutral and polar, with asparagine, which is neutral and polar, at codon 948 of the ITGAM protein (p.Ser948Asn). This variant is not present in population databases (gnomAD no frequency). This variant has not been reported in the literature in individuals affected with ITGAM-related conditions. An algorithm developed to predict the effect of missense changes on protein structure and function (PolyPhen-2) suggests that this variant is likely to be disruptive. In summary, the available evidence is currently insufficient to determine the role of this variant in disease. Therefore, it has been classified as a Variant of Uncertain Significance.

NM_000632.4(ITGAM):c.2843G>A (p.Ser948Asn)

Gene: ITGAM (integrin subunit alpha M; plus strand). Cytogenetic location: 16p11.2.
Variant type: single nucleotide variant.
Coding change: c.2843G>A on transcript NM_000632.4 (MANE Select); coding-DNA position 2843, G replaced by A.
Protein change: p.Ser948Asn; replaces serine 948 with asparagine.
Molecular consequence: missense variant.
Genome position (GRCh38, 1-based): chr16:31,329,278, G>A. VCF-style: chr16-31329278-G-A. GRCh37 (hg19) VCF-style: chr16-31340599-G-A.
Other names: c.2846G>A, p.Ser949Asn (NM_001145808.2); short protein forms S949N, S948N.
Identifiers: ClinVar variation 3695844 (VCV003695844.2).